The following is an entry in ClinVar:

ClinVar aggregate classification (germline): Conflicting classifications of pathogenicity. Review status: criteria provided, conflicting classifications (1 of 4 stars). 5 submissions from 5 submitters: Uncertain significance (1); Likely benign (3). 1 of the submissions does not count toward it. Last evaluated 2025-12-08.

Allele frequency attached by ClinVar (database versions not stated): gnomAD exomes 0.00005 and 0.00009; ExAC 0.00009; ESP Exome Variant Server 0.00023; TOPMed 0.00037; gnomAD 0.00038 and 0.00044.
gnomAD v4.1: 137 of 1,613,740 alleles (0.0085%); highest among the groups gnomAD compares: African/African-American, 0.12%; no homozygotes.

Submissions (5):

Labcorp Genetics (formerly Invitae), Labcorp
Classification: Likely benign. Last evaluated: 2025-12-08. Review status: criteria provided, single submitter. Criteria: Invitae Variant Classification Sherloc (09022015). Collection method: clinical testing. Allele origin: germline.

GeneDx
Classification: Uncertain significance. Last evaluated: 2024-09-05. Review status: criteria provided, single submitter. Criteria: GeneDx Variant Classification Process June 2021. Collection method: clinical testing. Allele origin: germline. Affected: yes.
Comment: In silico analysis indicates that this missense variant does not alter protein structure/function; Has not been previously published as pathogenic or benign to our knowledge

Blueprint Genetics
Classification: Likely benign. Last evaluated: 2021-12-04. Review status: criteria provided, single submitter. Criteria: ACMG Guidelines, 2015. Collection method: clinical testing. Allele origin: germline.

Laboratory for Molecular Medicine, Mass General Brigham Personalized Medicine
Classification: Likely benign. Last evaluated: 2013-07-28. Review status: criteria provided, single submitter. Criteria: LMM Criteria. Collection method: clinical testing. Allele origin: germline. Observed: 2 variant alleles.
Comment: Val1680Ile in Exon 39 of CDH23: This variant is not expected to have clinical si gnificance because the valine (Val) residue at position 1680 is poorly conserved across species, with many vertebrate, mammalian and primate species (including chimpanzee, gorilla, and orangutan) having an isoleucine (Ile) at this position. In addition, it has been identified in 0.01% (1/8566) of European American chr omosomes and 0.05% (2/4382) of African American chromosomes from a broad populat ion by the NHLBI Exome Sequencing Project (db SNP rs201364852).

Department of Pathology and Laboratory Medicine, Sinai Health System
Classification: Uncertain significance. Review status: no assertion criteria provided. Collection method: clinical testing. Allele origin: unknown. Affected: yes. Study: The Canadian Open Genetics Repository (COGR). Not counted in ClinVar's aggregate classification.
Comment: The CDH23 p.Val1680Ile variant was not identified in the literature nor was it identified in Cosmic or LOVD 3.0. The variant was identified in dbSNP (ID: rs201364852) and ClinVar (classified as likely benign by Laboratory for Molecular Medicine, Partners HealthCare Personalized Medicine). The variant was also identified in control databases in 35 of 280646 chromosomes at a frequency of 0.000125 (Genome Aggregation Database Feb 27, 2017). The variant was observed in the following populations: African in 22 of 24270 chromosomes (freq: 0.000907), European (non-Finnish) in 9 of 128346 chromosomes (freq: 0.00007), Latino in 2 of 35374 chromosomes (freq: 0.000057), East Asian in 1 of 19532 chromosomes (freq: 0.000051), and South Asian in 1 of 30600 chromosomes (freq: 0.000033), while the variant was not observed in the Ashkenazi Jewish, European (Finnish), or other populations. The p.Val1680 residue is not conserved in mammals and computational analyses (PolyPhen-2, SIFT, AlignGVGD, BLOSUM, MutationTaster) do not suggest a high likelihood of impact to the protein; however, this information is not predictive enough to rule out pathogenicity. The variant occurs outside of the splicing consensus sequence and in silico or computational prediction software programs (SpliceSiteFinder, MaxEntScan, NNSPLICE, GeneSplicer) do not predict a difference in splicing at the variant location. In summary, based on the above information the clinical significance of this variant cannot be determined with certainty at this time. This variant is classified as a variant of uncertain significance.

NM_022124.6(CDH23):c.5038G>A (p.Val1680Ile)

Gene: CDH23 (cadherin related 23; plus strand). Cytogenetic location: 10q22.1.
Variant type: single nucleotide variant.
Coding change: c.5038G>A on transcript NM_022124.6 (MANE Select); coding-DNA position 5038, G replaced by A.
Protein change: p.Val1680Ile; replaces valine 1680 with isoleucine.
Molecular consequence: missense variant.
Genome position (GRCh38, 1-based): chr10:71,777,872, G>A. VCF-style: chr10-71777872-G-A. GRCh37 (hg19) VCF-style: chr10-73537629-G-A.
Other names: short protein forms V1680I.
Identifiers: ClinVar variation 162917 (VCV000162917.15), dbSNP rs201364852, ClinGen allele CA175496.